The following is an entry in ClinVar:

NM_032578.4(MYPN):c.3170G>A (p.Arg1057Gln)

Gene: MYPN (myopalladin; plus strand). Cytogenetic location: 10q21.3.
Variant type: single nucleotide variant.
Coding change: c.3170G>A on transcript NM_032578.4 (MANE Select); coding-DNA position 3170, G replaced by A.
Protein change: p.Arg1057Gln; replaces arginine 1057 with glutamine.
Molecular consequence: missense variant. On other transcripts: non-coding transcript variant (2).
Genome position (GRCh38, 1-based): chr10:68,197,363, G>A. VCF-style: chr10-68197363-G-A. GRCh37 (hg19) VCF-style: chr10-69957120-G-A.
Other names: c.3170G>A, p.Arg1057Gln (NM_001256267.2); c.2288G>A, p.Arg763Gln (NM_001256268.2); short protein forms R1057Q, R763Q.
Identifiers: ClinVar variation 417954 (VCV000417954.17), dbSNP rs150414382, ClinGen allele CA5522981.

ClinVar aggregate classification (germline): Conflicting classifications of pathogenicity. Review status: criteria provided, conflicting classifications (1 of 4 stars). 7 submissions from 7 submitters: Uncertain significance (5); Likely benign (1). 1 of the submissions does not count toward it. Last evaluated 2025-12-20.

Conditions:
Cardiovascular phenotype. Identifiers: MedGen CN230736.
MYPN-related disorder. Also called: MYPN-related condition.
Dilated cardiomyopathy 1KK (CMD1KK). Identifiers: Orphanet 154, Orphanet 75249, MedGen C3714995, MONDO:0014100, OMIM 615248.
MYPN-related myopathy (CMYO24). Also called: Nemaline myopathy 11, autosomal recessive. Identifiers: MedGen C4479186, MONDO:0015023, OMIM 617336.

Allele frequency attached by ClinVar (database versions not stated): ExAC 0.00003; TOPMed 0.00004; ESP Exome Variant Server 0.00015.
gnomAD v4.1: 97 of 1,613,380 alleles (0.006%); highest among the groups gnomAD compares: Non-Finnish European, 0.0077%; 1 homozygote.

Submissions (7):

Labcorp Genetics (formerly Invitae), Labcorp
Classification: Uncertain significance for Dilated cardiomyopathy 1KK. Last evaluated: 2025-12-20. Review status: criteria provided, single submitter. Criteria: Invitae Variant Classification Sherloc (09022015). Collection method: clinical testing. Allele origin: germline.
Comment: This sequence change replaces arginine, which is basic and polar, with glutamine, which is neutral and polar, at codon 1057 of the MYPN protein (p.Arg1057Gln). This variant is present in population databases (rs150414382, gnomAD 0.006%). This variant has not been reported in the literature in individuals affected with MYPN-related conditions. ClinVar contains an entry for this variant (Variation ID: 417954). An algorithm developed to predict the effect of missense changes on protein structure and function (PolyPhen-2) suggests that this variant is likely to be disruptive. In summary, the available evidence is currently insufficient to determine the role of this variant in disease. Therefore, it has been classified as a Variant of Uncertain Significance.

PreventionGenetics, part of Exact Sciences
Classification: Uncertain significance for MYPN-related condition. Last evaluated: 2025-12-03. Review status: criteria provided, single submitter. Criteria: ACMG Guidelines, 2015. Collection method: clinical testing. Allele origin: germline.
Comment: The MYPN c.3170G>A variant is predicted to result in the amino acid substitution p.Arg1057Gln. To our knowledge, this variant has not been reported in the literature. This variant is reported in 0.010% of alleles in individuals of East Asian descent in gnomAD. Although we suspect that this variant may be benign, at this time, the clinical significance of this variant is uncertain due to the absence of conclusive functional and genetic evidence.

Ambry Genetics
Classification: Uncertain significance for Cardiovascular phenotype. Last evaluated: 2024-07-29. Review status: criteria provided, single submitter. Criteria: Ambry Variant Classification Scheme 2023. Collection method: clinical testing. Allele origin: germline.
Comment: The p.R1057Q variant (also known as c.3170G>A), located in coding exon 15 of the MYPN gene, results from a G to A substitution at nucleotide position 3170. The arginine at codon 1057 is replaced by glutamine, an amino acid with highly similar properties. This amino acid position is highly conserved in available vertebrate species. In addition, this alteration is predicted to be tolerated by in silico analysis. Since supporting evidence is limited at this time, the clinical significance of this alteration remains unclear.

Blueprint Genetics
Classification: Likely benign. Last evaluated: 2024-03-20. Review status: criteria provided, single submitter. Criteria: ACMG Guidelines, 2015. Collection method: clinical testing. Allele origin: germline.

Fulgent Genetics
Classification: Uncertain significance for Dilated cardiomyopathy 1KK; MYPN-related myopathy. Last evaluated: 2021-08-26. Review status: criteria provided, single submitter. Criteria: ACMG Guidelines, 2015. Collection method: clinical testing. Allele origin: unknown.

GeneDx
Classification: Uncertain significance. Last evaluated: 2019-05-29. Review status: criteria provided, single submitter. Criteria: GeneDx Variant Classification Process June 2021. Collection method: clinical testing. Allele origin: germline. Affected: yes.
Comment: Has not been previously published as pathogenic or benign to our knowledge; In silico analysis, which includes protein predictors and evolutionary conservation, supports that this variant does not alter protein structure/function

Division of Human Genetics, Children's Hospital of Philadelphia
Classification: Uncertain significance for Dilated cardiomyopathy 1KK. Last evaluated: 2016-04-29. Review status: no assertion criteria provided. Collection method: research. Allele origin: maternal. Affected: yes. Study: CSER-PediSeq. Not counted in ClinVar's aggregate classification.